The following is an entry in ClinVar:

ClinVar aggregate classification (germline): Uncertain significance (1 of 4 stars; one submission).

Submission:

Labcorp Genetics (formerly Invitae), Labcorp
Classification: Uncertain significance. Last evaluated: 2022-10-13. Review status: criteria provided, single submitter. Criteria: Invitae Variant Classification Sherloc (09022015). Collection method: clinical testing. Allele origin: germline.
Comment: In summary, the available evidence is currently insufficient to determine the role of this variant in disease. Therefore, it has been classified as a Variant of Uncertain Significance. ClinVar contains an entry for this variant (Variation ID: 1504409). This variant has not been reported in the literature in individuals affected with EYS-related conditions. This variant is not present in population databases (gnomAD no frequency). This variant occurs in a non-coding region of the EYS gene. It does not change the encoded amino acid sequence of the EYS protein.

NM_001142800.2(EYS):c.-320A>C

Gene: EYS (EGF-like photoreceptor maintenance factor; minus strand). Cytogenetic location: 6q12.
Variant type: single nucleotide variant.
Coding change: c.-320A>C on transcript NM_001142800.2 (MANE Select); 320 bases upstream of the start codon, A replaced by C.
Molecular consequence: 5 prime UTR variant.
Genome position (GRCh38, 1-based): chr6:65,495,981, T>G on the plus strand (A>C on the coding strand, the complement: EYS is on the minus strand). VCF-style: chr6-65495981-T-G. GRCh37 (hg19) VCF-style: chr6-66205874-T-G.
Other names: c.-320A>C (NM_001142801.2, NM_001292009.2, NM_198283.2).
Identifiers: ClinVar variation 1504409 (VCV001504409.6), dbSNP rs969388354, ClinGen allele CA2573141049.
Genomic context (GRCh38, chr6:65,495,981, plus strand): 5'-AGATTCTTTTACAGATGGTTTCAATTTTCTTGGGAGATAAGCATTCCTCTTCTGATTAGT[T>G]TTCAAAAAACACCTTTAAAACGTAGAAGAGTAAACACCATTTAAACATATTTTTCATGTA-3'